The following is an entry in ClinVar:

ClinVar aggregate classification (germline): Pathogenic. Review status: criteria provided, multiple submitters, no conflicts (2 of 4 stars). 2 submissions from 2 submitters: Pathogenic (2). Last evaluated 2019-04-27.

Conditions:
Hereditary cancer-predisposing syndrome. Also called: Hereditary Cancer Syndrome; Neoplastic Syndromes, Hereditary; Hereditary neoplastic syndrome; Tumor predisposition. Identifiers: Orphanet 140162, MedGen C0027672, MeSH D009386, MONDO:0015356.
Ataxia-telangiectasia syndrome (AT). Also called: Cerebello-oculocutaneous telangiectasia; Immunodeficiency with ataxia telangiectasia; Ataxia-telangiectasia, complementation group E; Ataxia-telangiectasia, complementation group D; AT, COMPLEMENTATION GROUP C; ATAXIA-TELANGIECTASIA, COMPLEMENTATION GROUP A. Identifiers: Orphanet 100, MedGen C0004135, MONDO:0008840, OMIM 208900.

Submissions (2):

Labcorp Genetics (formerly Invitae), Labcorp
Classification: Pathogenic for Ataxia-telangiectasia syndrome. Last evaluated: 2019-04-27. Review status: criteria provided, single submitter. Criteria: Invitae Variant Classification Sherloc (09022015). Collection method: clinical testing. Allele origin: germline.
Comment: For these reasons, this variant has been classified as Pathogenic. Loss-of-function variants in ATM are known to be pathogenic (PMID: 23807571, 25614872). This variant has not been reported in the literature in individuals with ATM-related conditions. This variant is not present in population databases (ExAC no frequency). This sequence change creates a premature translational stop signal (p.Cys783Metfs*15) in the ATM gene. It is expected to result in an absent or disrupted protein product.

Ambry Genetics
Classification: Pathogenic for Hereditary cancer-predisposing syndrome. Last evaluated: 2019-04-25. Review status: criteria provided, single submitter. Criteria: Ambry Variant Classification Scheme 2023. Collection method: clinical testing. Allele origin: germline.
Comment: The c.2345dupT variant, located in coding exon 14 of the ATM gene, results from a duplication of T at nucleotide position 2345, causing a translational frameshift with a predicted alternate stop codon (p.C783Mfs*15). This alteration is expected to result in loss of function by premature protein truncation or nonsense-mediated mRNA decay. As such, this alteration is interpreted as a disease-causing mutation.

Literature cited by the submitters: PubMed 23807571 (cited by Labcorp Genetics (formerly Invitae), Labcorp); PubMed 25614872 (cited by Labcorp Genetics (formerly Invitae), Labcorp).

NM_000051.4(ATM):c.2345dup (p.Cys783fs)

Gene: ATM (ATM serine/threonine kinase; plus strand). Cytogenetic location: 11q22.3.
Variant type: Duplication.
Coding change: c.2345dup on transcript NM_000051.4 (MANE Select); coding-DNA position 2345, one base duplicated (T; older notation c.2345dupT).
Protein change: p.Cys783fs; shifts the reading frame from cysteine 783.
Molecular consequence: frameshift variant.
Genome position (GRCh38, 1-based): chr11:108,257,575, T duplicated. VCF-style (leftmost placement, unchanged base first): chr11-108257574-C-CT. GRCh37 (hg19) VCF-style: chr11-108128301-C-CT.
Other names: c.2345dup (NM_000051.3); c.2345dup, p.Cys783fs (NM_001351834.2); short protein forms C783fs.
Identifiers: ClinVar variation 821130 (VCV000821130.12), dbSNP rs1591546645, ClinGen allele CA915948364.
Genomic context (GRCh38, chr11:108,257,574, plus strand): 5'-CTGTTTAAAAATAAGACAAATGAGGAATTCAGAATTGGTTCCTTGAGAAATATGATGCAG[C>CT]TATGTACACGTTGCTTGAGCAACTGTACCAAGGTAAGATTTTCTTCTTCTTGTTTTGTTT-3'